The following is an entry in ClinVar:

ClinVar aggregate classification (germline): Pathogenic (1 of 4 stars; one submission).

Conditions:
Menkes kinky-hair syndrome (MNK). Also called: Copper transport disease; Menkes Disease; Classic Menkes Disease. Identifiers: Orphanet 565, MedGen C0022716, MONDO:0010651, OMIM 309400.
X-linked distal spinal muscular atrophy type 3. Also called: ATP7A-Related Distal Motor Neuropathy; SPINAL MUSCULAR ATROPHY, DISTAL, X-LINKED RECESSIVE; NEURONOPATHY, DISTAL HEREDITARY MOTOR, X-LINKED; NEUROPATHY, DISTAL HEREDITARY MOTOR, X-LINKED. Identifiers: Orphanet 139557, MedGen C1845359, MONDO:0010338, OMIM 300489.
Cutis laxa, X-linked (OHS). Also called: EDS IX; Occipital horn syndrome. Identifiers: Orphanet 198, MedGen C0268353, MONDO:0010572, OMIM 304150.

Submission:

Labcorp Genetics (formerly Invitae), Labcorp
Classification: Pathogenic for X-linked distal spinal muscular atrophy type 3; Cutis laxa, X-linked; Menkes kinky-hair syndrome. Last evaluated: 2022-01-27. Review status: criteria provided, single submitter. Criteria: Invitae Variant Classification Sherloc (09022015). Collection method: clinical testing. Allele origin: germline.
Comment: For these reasons, this variant has been classified as Pathogenic. This variant has not been reported in the literature in individuals affected with ATP7A-related conditions. This variant is not present in population databases (gnomAD no frequency). This sequence change creates a premature translational stop signal (p.Leu299Phefs*7) in the ATP7A gene. It is expected to result in an absent or disrupted protein product. Loss-of-function variants in ATP7A are known to be pathogenic (PMID: 11241493, 20652413).

Literature cited by the submitters: PubMed 11241493; PubMed 20652413.

NM_000052.7(ATP7A):c.897del (p.Leu299fs)

Gene: ATP7A (ATPase copper transporting alpha; plus strand). Cytogenetic location: Xq21.1.
Variant type: Deletion.
Coding change: c.897del on transcript NM_000052.7 (MANE Select); coding-DNA position 897, one base deleted (A; older notation c.897delA).
Protein change: p.Leu299fs; shifts the reading frame from leucine 299.
Molecular consequence: frameshift variant.
Genome position (GRCh38, 1-based): chrX:77,989,519, A deleted. VCF-style (leftmost placement, unchanged base first): chrX-77989518-TA-T. GRCh37 (hg19) VCF-style: chrX-77245014-TA-T.
Other names: c.897del, p.Leu299fs (NM_001282224.2); short protein forms L299fs.
Identifiers: ClinVar variation 2042259 (VCV002042259.4), dbSNP rs2522293717, ClinGen allele CA2580101461.